The following is an entry in ClinVar:

NM_001037333.3(CYFIP2):c.2674C>A (p.Pro892Thr)

Gene: CYFIP2 (cytoplasmic FMR1 interacting protein 2; plus strand). Cytogenetic location: 5q33.3.
Variant type: single nucleotide variant.
Coding change: c.2674C>A on transcript NM_001037333.3 (MANE Select); coding-DNA position 2674, C replaced by A.
Protein change: p.Pro892Thr; replaces proline 892 with threonine.
Molecular consequence: missense variant.
Genome position (GRCh38, 1-based): chr5:157,359,005, C>A. VCF-style: chr5-157359005-C-A. GRCh37 (hg19) VCF-style: chr5-156786013-C-A.
Other names: c.2596C>A, p.Pro866Thr (NM_001291721.2); c.2749C>A, p.Pro917Thr (NM_001291722.2); c.2674C>A, p.Pro892Thr (NM_014376.4); short protein forms P892T, P866T, P917T.
Identifiers: ClinVar variation 1946538 (VCV001946538.5), dbSNP rs773991920, ClinGen allele CA3534113.

ClinVar aggregate classification (germline): Uncertain significance (1 of 4 stars; one submission).

Allele frequency attached by ClinVar (database versions not stated): ExAC 0.00001; gnomAD exomes 0.00001.
gnomAD v4.1: 6 of 1,614,016 alleles (0.00037%); highest among the groups gnomAD compares: Admixed American, 0.01%; no homozygotes.

Submission:

Labcorp Genetics (formerly Invitae), Labcorp
Classification: Uncertain significance. Last evaluated: 2025-10-10. Review status: criteria provided, single submitter. Criteria: Invitae Variant Classification Sherloc (09022015). Collection method: clinical testing. Allele origin: germline.
Comment: This sequence change replaces proline, which is neutral and non-polar, with threonine, which is neutral and polar, at codon 892 of the CYFIP2 protein (p.Pro892Thr). This variant is present in population databases (rs773991920, gnomAD 0.01%). This variant has not been reported in the literature in individuals affected with CYFIP2-related conditions. ClinVar contains an entry for this variant (Variation ID: 1946538). Experimental studies and prediction algorithms are not available or were not evaluated, and the functional significance of this variant is currently unknown. In summary, the available evidence is currently insufficient to determine the role of this variant in disease. Therefore, it has been classified as a Variant of Uncertain Significance.